The following is an entry in ClinVar:

NM_001110556.2(FLNA):c.4710C>T (p.Ile1570=)

Gene: FLNA (filamin A; minus strand). Cytogenetic location: Xq28.
Variant type: single nucleotide variant.
Coding change: c.4710C>T on transcript NM_001110556.2 (MANE Select); coding-DNA position 4710, C replaced by T.
Protein change: p.Ile1570=; no amino-acid change (isoleucine 1570 retained).
Molecular consequence: synonymous variant.
Genome position (GRCh38, 1-based): chrX:154,358,244, G>A on the plus strand (C>T on the coding strand, the complement: FLNA is on the minus strand). VCF-style: chrX-154358244-G-A. GRCh37 (hg19) VCF-style: chrX-153586612-G-A.
Other names: c.4710C>T, p.Ile1570= (NM_001456.4).
Identifiers: ClinVar variation 1157441 (VCV001157441.15), dbSNP rs1001333218, ClinGen allele CA337278949.

ClinVar aggregate classification (germline): Likely benign. Review status: criteria provided, multiple submitters, no conflicts (2 of 4 stars). 3 submissions from 3 submitters: Likely benign (3). Last evaluated 2026-01-01.

Conditions:
Familial thoracic aortic aneurysm and aortic dissection (TAAD). Also called: Thoracic aortic aneurysms and dissections. Identifiers: Orphanet 91387, MedGen C4707243, MONDO:0019625.
Oto-palato-digital syndrome, type II (OPD2). Also called: Otopalatodigital Syndrome, Type II; FACIOPALATOOSSEOUS SYNDROME; Otopalatodigital Syndrome Type 2 (FLNA-OPD2); OPD II SYNDROME. Identifiers: Orphanet 669, Orphanet 90652, MedGen C1844696, MONDO:0010571, OMIM 304120.
Melnick-Needles syndrome (MNS). Also called: Melnick-Needles Syndrome (FLNA-MNS); MELNICK-NEEDLES OSTEODYSPLASTY; OSTEODYSPLASTY OF MELNICK AND NEEDLES. Identifiers: Orphanet 2484, MedGen C0025237, MONDO:0010650, OMIM 309350.
Heterotopia, periventricular, X-linked dominant (PVNH1). Also called: PERIVENTRICULAR NODULAR HETEROTOPIA 4; HETEROTOPIA, PERIVENTRICULAR, 1; X-linked periventricular heterotopia; PERIVENTRICULAR NODULAR HETEROTOPIA 1. Identifiers: Orphanet 2149, Orphanet 82004, MedGen C1848213, MONDO:0010233, OMIM 300049.
Frontometaphyseal dysplasia (FMD1). Identifiers: Orphanet 1826, MedGen C0265293, MONDO:0015942.

gnomAD v4.1: 9 of 1,209,661 alleles (0.00074%); highest among the groups gnomAD compares: African/African-American, 0.0052%; no homozygotes.

Submissions (3):

CeGaT Center for Human Genetics Tuebingen
Classification: Likely benign. Last evaluated: 2026-01-01. Review status: criteria provided, single submitter. Criteria: CeGaT Center For Human Genetics Tuebingen Variant Classification Criteria Version 2. Collection method: clinical testing. Allele origin: germline. Affected: yes. Observed: 1 variant allele.
Comment: FLNA: BP4, BP7

Labcorp Genetics (formerly Invitae), Labcorp
Classification: Likely benign for Oto-palato-digital syndrome, type II; Heterotopia, periventricular, X-linked dominant; Frontometaphyseal dysplasia; Melnick-Needles syndrome. Last evaluated: 2025-10-20. Review status: criteria provided, single submitter. Criteria: Invitae Variant Classification Sherloc (09022015). Collection method: clinical testing. Allele origin: germline.

Ambry Genetics
Classification: Likely benign for Familial thoracic aortic aneurysm and aortic dissection. Last evaluated: 2020-10-11. Review status: criteria provided, single submitter. Criteria: Ambry Variant Classification Scheme 2023. Collection method: clinical testing. Allele origin: germline.